The following is an entry in ClinVar:

NM_170784.3(MKKS):c.1582_1587del (p.His528_Glu529del)

Gene: MKKS (MKKS centrosomal shuttling protein; minus strand). Cytogenetic location: 20p12.2.
Variant type: Deletion.
Coding change: c.1582_1587del on transcript NM_170784.3 (MANE Select); coding-DNA positions 1582 to 1587, 6 bases deleted (CATGAA; older notation c.1582_1587delCATGAA).
Protein change: p.His528_Glu529del.
Molecular consequence: inframe deletion. On other transcripts: non-coding transcript variant (1).
Genome position (GRCh38, 1-based): chr20:10,405,373-10,405,378, TTCATG deleted on the plus strand (CATGAA on the coding strand, the reverse complement: MKKS is on the minus strand); deleting any 6 consecutive bases within chr20:10,405,373-10,405,379 gives the same sequence; the c. name uses the placement nearest the transcript's 3' end. VCF-style (leftmost placement, unchanged base first): chr20-10405372-CTTCATG-C. GRCh37 (hg19) VCF-style: chr20-10386020-CTTCATG-C.
Other names: c.1582_1587del, p.His528_Glu529del (NM_018848.3).
Identifiers: ClinVar variation 1392064 (VCV001392064.9), dbSNP rs2122219438, ClinGen allele CA2573156823.
Genomic context (GRCh38, chr20:10,405,372, plus strand): 5'-GTAGGCCACTAAGCTTTGCAGTCAAACAGTCCAAGGTCAGGTTGCTGGCTGAGCCCACAG[CTTCATG>C]TGGAAGGCAGCTTTGTGGCACAAATGGACGACGTGTGCTTCTTAAGAAAGACCAGTTGAG-3'

ClinVar aggregate classification (germline): Uncertain significance. Review status: criteria provided, multiple submitters, no conflicts (2 of 4 stars). 2 submissions from 2 submitters: Uncertain significance (2). Last evaluated 2024-05-31.

Conditions:
McKusick-Kaufman syndrome (MKKS). Also called: HYDROMETROCOLPOS SYNDROME; HYDROMETROCOLPOS, POSTAXIAL POLYDACTYLY, AND CONGENITAL HEART MALFORMATION. Identifiers: Orphanet 2473, MedGen C0948368, MONDO:0009367, OMIM 236700.
Bardet-Biedl syndrome 6 (BBS6). Identifiers: Orphanet 110, MedGen C1858054, MONDO:0011523, OMIM 605231.
Bardet-Biedl syndrome (BBS). Identifiers: Orphanet 110, MedGen C0752166, MONDO:0015229.

Submissions (2):

Fulgent Genetics
Classification: Uncertain significance for McKusick-Kaufman syndrome; Bardet-Biedl syndrome 6. Last evaluated: 2024-05-31. Review status: criteria provided, single submitter. Criteria: ACMG Guidelines, 2015. Collection method: clinical testing. Allele origin: germline.

Labcorp Genetics (formerly Invitae), Labcorp
Classification: Uncertain significance for McKusick-Kaufman syndrome; Bardet-Biedl syndrome. Last evaluated: 2022-08-16. Review status: criteria provided, single submitter. Criteria: Invitae Variant Classification Sherloc (09022015). Collection method: clinical testing. Allele origin: germline.
Comment: In summary, the available evidence is currently insufficient to determine the role of this variant in disease. Therefore, it has been classified as a Variant of Uncertain Significance. Experimental studies and prediction algorithms are not available or were not evaluated, and the functional significance of this variant is currently unknown. ClinVar contains an entry for this variant (Variation ID: 1392064). This variant has not been reported in the literature in individuals affected with MKKS-related conditions. This variant is not present in population databases (gnomAD no frequency). This variant, c.1582_1587del, results in the deletion of 2 amino acid(s) of the MKKS protein (p.His528_Glu529del), but otherwise preserves the integrity of the reading frame.